The following is an entry in ClinVar:

NM_001042492.3(NF1):c.7321+1G>T

Gene: NF1 (neurofibromin 1; plus strand). Cytogenetic location: 17q11.2.
Variant type: single nucleotide variant.
Coding change: c.7321+1G>T on transcript NM_001042492.3 (MANE Select); the canonical splice donor site of the intron after coding-DNA position 7321, G replaced by T.
Molecular consequence: splice donor variant.
Genome position (GRCh38, 1-based): chr17:31,349,252, G>T. VCF-style: chr17-31349252-G-T. GRCh37 (hg19) VCF-style: chr17-29676270-G-T.
Other names: c.7258+1G>T (NM_000267.4).
Identifiers: ClinVar variation 431689 (VCV000431689.7), dbSNP rs1135402903, ClinGen allele CA399016932.

ClinVar aggregate classification (germline): Pathogenic/Likely pathogenic. Review status: criteria provided, multiple submitters, no conflicts (2 of 4 stars). 5 submissions from 5 submitters: Pathogenic (3); Likely pathogenic (1). 1 of the submissions does not count toward it. Last evaluated 2025-01-07.

Conditions:
NF1-related disorder. Also called: NF1-related condition. Identifiers: MedGen CN379171.
Neurofibromatosis, type 1 (NF1). Also called: Neurofibromatosis, type I; Peripheral type neurofibromatosis; VON RECKLINGHAUSEN DISEASE; NEUROFIBROMATOSIS, TYPE I, SOMATIC. Identifiers: Orphanet 636, MedGen C0027831, MONDO:0018975, OMIM 162200. Disease mechanism: loss of function.

Submissions (5):

ARUP Laboratories, Molecular Genetics and Genomics, ARUP Laboratories
Classification: Pathogenic. Last evaluated: 2025-01-07. Review status: criteria provided, single submitter. Criteria: ARUP Molecular Germline Variant Investigation Process 2024. Collection method: clinical testing. Allele origin: germline.
Comment: The NF1 c.7321+1G>T variant (rs1135402903, ClinVar Variation ID: 431689), also known as c.7259+1G>T, is reported in the literature in an individual affected with neurofibromatosis type 1 (De Luca 2003). This variant is absent from the Genome Aggregation Database (v2.1.1), indicating it is not a common polymorphism. This variant disrupts the canonical splice donor site of intron 49, which is likely to negatively impact gene function. Based on available information, this variant is considered to be pathogenic. References: De Luca A et al. NF1 gene analysis based on DHPLC. Hum Mutat. 2003 Feb;21(2):171-2. PMID: 12552569.

Blueprint Genetics
Classification: Pathogenic for NF1-related disorders. Last evaluated: 2023-10-10. Review status: criteria provided, single submitter. Criteria: ACMG Guidelines, 2015. Collection method: clinical testing. Allele origin: germline. Affected: yes. Observed: 2 variant alleles.

Women's Health and Genetics/Laboratory Corporation of America, LabCorp
Classification: Likely pathogenic for Neurofibromatosis, type 1. Last evaluated: 2023-09-11. Review status: criteria provided, single submitter. Criteria: LabCorp Variant Classification Summary - May 2015. Collection method: clinical testing. Allele origin: germline.
Comment: Variant summary: NF1 c.7258+1G>T is located in a canonical splice-site and is predicted to affect mRNA splicing resulting in a significantly altered protein due to either exon skipping, shortening, or inclusion of intronic material. Several computational tools predict a significant impact on normal splicing: Four predict the variant abolishes a canonical 5' splicing donor site. However, these predictions have yet to be confirmed by functional studies. The variant was absent in 249652 control chromosomes (gnomAD). c.7258+1G>T has been reported in the literature in at-least one individual affected with Neurofibromatosis Type 1 (example: DeLuca_2004). To our knowledge, no experimental evidence demonstrating an impact on protein function has been reported. The following publication has been ascertained in the context of this evaluation (PMID: 15146469). One submitter has cited clinical-significance assessments for this variant to ClinVar after 2014 and has classified the variant as likely pathogenic. Based on the evidence outlined above, the variant was classified as likely pathogenic.

Labcorp Genetics (formerly Invitae), Labcorp
Classification: Pathogenic for Neurofibromatosis, type 1. Last evaluated: 2023-05-13. Review status: criteria provided, single submitter. Criteria: Invitae Variant Classification Sherloc (09022015). Collection method: clinical testing. Allele origin: germline.
Comment: Algorithms developed to predict the effect of sequence changes on RNA splicing suggest that this variant may disrupt the consensus splice site. For these reasons, this variant has been classified as Pathogenic. ClinVar contains an entry for this variant (Variation ID: 431689). This variant is also known as 7259+1G>T. Disruption of this splice site has been observed in individual(s) with neurofibromatosis, type 1 (PMID: 12552569). This variant is not present in population databases (gnomAD no frequency). This sequence change affects a donor splice site in intron 48 of the NF1 gene. It is expected to disrupt RNA splicing. Variants that disrupt the donor or acceptor splice site typically lead to a loss of protein function (PMID: 16199547), and loss-of-function variants in NF1 are known to be pathogenic (PMID: 10712197, 23913538).

Medical Genetics, University of Parma
Classification: Likely pathogenic for Neurofibromatosis type 1. Last evaluated: 2017-02-02. Review status: no assertion criteria provided. Collection method: clinical testing. Allele origin: germline. Affected: yes. Not counted in ClinVar's aggregate classification.

Literature cited by the submitters: PubMed 15146469 (cited by Women's Health and Genetics/Laboratory Corporation of America, LabCorp); PubMed 12552569 (cited by Labcorp Genetics (formerly Invitae), Labcorp); PubMed 16199547 (cited by Labcorp Genetics (formerly Invitae), Labcorp); PubMed 10712197 (cited by Labcorp Genetics (formerly Invitae), Labcorp); PubMed 23913538 (cited by Labcorp Genetics (formerly Invitae), Labcorp).